The following is an entry in ClinVar:

ClinVar aggregate classification (germline): Pathogenic. Review status: criteria provided, multiple submitters, no conflicts (2 of 4 stars). 2 submissions from 2 submitters: Pathogenic (2). Last evaluated 2023-07-17.

Conditions:
Osteogenesis imperfecta type I (OI1). Also called: OI, TYPE I; OSTEOGENESIS IMPERFECTA TARDA; OSTEOGENESIS IMPERFECTA WITH BLUE SCLERAE; Osteogenesis imperfecta type 1; Lobstein disease; Lobstein's Disease. Identifiers: Orphanet 216796, Orphanet 666, MedGen C0023931, MONDO:0008146, OMIM 166200. Disease mechanism: loss of function.

Submissions (2):

Victorian Clinical Genetics Services, Murdoch Childrens Research Institute
Classification: Pathogenic for Osteogenesis imperfecta type I. Last evaluated: 2023-07-17. Review status: criteria provided, single submitter. Criteria: ACMG Guidelines, 2015. Collection method: clinical testing. Allele origin: germline. Inheritance: Autosomal dominant inheritance. Affected: yes.
Comment: Based on the classification scheme VCGS_Germline_v1.3.4, this variant is classified as Pathogenic. Following criteria are met: 0103 - Dominant negative and loss of function are known mechanisms of disease in this gene and are associated with osteogenesis imperfecta (OI) types I-IV, and other conditions (OMIM). Variants resulting in a truncated protein are known to have a loss of function effect on protein, while missense variants affecting the G-X-Y of a triple helix motif have a dominant negative effect (PMIDs: 27509835, 12362985). (I) 0107 - This gene is associated with autosomal dominant disease. (I) 0115 - Variants in this gene are known to have variable expressivity (GeneReviews). (I) 0211 - Canonical splice site variant without proven consequence on splicing (no functional evidence available). (SP) 0251 - This variant is heterozygous. (I) 0301 - Variant is absent from gnomAD (both v2 and v3). (SP) 0505 - Abnormal splicing is predicted by in silico tools and affected nucleotide is highly conserved. (SP) 0701 - Other canonical splice site variants comparable to the one identified in this case have very strong previous evidence for pathogenicity. c.1057-2A>T, c.1057-2A>G, c.1057-1G>T and c.1057-1G>A have been reported in individuals with osteogenesis imperfecta (PMIDs: 25963598, 27132807, 29635034). Two of these variants, c.1057-2A>T and c.1057-1G>A have also been reported as likely pathogenic/pathogenic by clinical testing laboratories (ClinVar). (SP) 0803 - This variant has limited previous evidence of pathogenicity in unrelated individuals. It has been reported as heterozygous in an individual with OI type 1A (PMID: 15502558). It has also been reported as pathogenic by a clinical testing laboratory (ClinVar). (SP) 0905 - No published segregation evidence has been identified for this variant. (I) 1007 - No published functional evidence has been identified for this variant. (I) 1208 - Inheritance information for this variant is not currently available in this individual. (I) Legend: (SP) - Supporting pathogenic, (I) - Information, (SB) - Supporting benign

Labcorp Genetics (formerly Invitae), Labcorp
Classification: Pathogenic for Osteogenesis imperfecta type I. Last evaluated: 2022-04-21. Review status: criteria provided, single submitter. Criteria: Invitae Variant Classification Sherloc (09022015). Collection method: clinical testing. Allele origin: germline.
Comment: For these reasons, this variant has been classified as Pathogenic. Algorithms developed to predict the effect of sequence changes on RNA splicing suggest that this variant may disrupt the consensus splice site. Disruption of this splice site has been observed in individuals with osteogenesis imperfecta (PMID: 8456806, 15502558, 25963598). This variant is not present in population databases (gnomAD no frequency). This sequence change affects an acceptor splice site in intron 16 of the COL1A1 gene. It is expected to disrupt RNA splicing. Variants that disrupt the donor or acceptor splice site typically lead to a loss of protein function (PMID: 16199547), and loss-of-function variants in COL1A1 are known to be pathogenic (PMID: 7942841, 9295084, 9443882).

Literature cited by the submitters: PubMed 12362985 (cited by Victorian Clinical Genetics Services, Murdoch Childrens Research Institute); PubMed 15502558 (cited by Victorian Clinical Genetics Services, Murdoch Childrens Research Institute and Labcorp Genetics (formerly Invitae), Labcorp); PubMed 25963598 (cited by Victorian Clinical Genetics Services, Murdoch Childrens Research Institute and Labcorp Genetics (formerly Invitae), Labcorp); PubMed 27132807 (cited by Victorian Clinical Genetics Services, Murdoch Childrens Research Institute); PubMed 27509835 (cited by Victorian Clinical Genetics Services, Murdoch Childrens Research Institute); PubMed 29635034 (cited by Victorian Clinical Genetics Services, Murdoch Childrens Research Institute); PubMed 8456806 (cited by Labcorp Genetics (formerly Invitae), Labcorp); PubMed 16199547 (cited by Labcorp Genetics (formerly Invitae), Labcorp); PubMed 7942841 (cited by Labcorp Genetics (formerly Invitae), Labcorp); PubMed 9295084 (cited by Labcorp Genetics (formerly Invitae), Labcorp); PubMed 9443882 (cited by Labcorp Genetics (formerly Invitae), Labcorp).

NM_000088.4(COL1A1):c.1057-2A>C

Gene: COL1A1 (collagen type I alpha 1 chain; minus strand). Cytogenetic location: 17q21.33.
Variant type: single nucleotide variant.
Coding change: c.1057-2A>C on transcript NM_000088.4 (MANE Select); the canonical splice acceptor site of the intron before coding-DNA position 1057, A replaced by C.
Molecular consequence: splice acceptor variant.
Genome position (GRCh38, 1-based): chr17:50,195,667, T>G on the plus strand (A>C on the coding strand, the complement: COL1A1 is on the minus strand). VCF-style: chr17-50195667-T-G. GRCh37 (hg19) VCF-style: chr17-48273028-T-G.
Other names: c.1057-2A>C (NM_000088.3).
Identifiers: ClinVar variation 2138076 (VCV002138076.5), dbSNP rs66511271, ClinGen allele CA291546917.
Genomic context (GRCh38, chr17:50,195,667, plus strand): 5'-TCACCACGCACACCCTGGGGACCTTCAGAGCCTCGGGGCCCTTGGGGACCAGCTTCACCC[T>G]GAATCAGAAGAAAGGACATATCAGAAGCCACCCTGGGAAACCCAACCTTGCCTCTCGGGA-3'